The following is an entry in ClinVar:

NM_000368.5(TSC1):c.1247T>A (p.Val416Asp)

Gene: TSC1 (TSC complex subunit 1; minus strand). Cytogenetic location: 9q34.13.
Variant type: single nucleotide variant.
Coding change: c.1247T>A on transcript NM_000368.5 (MANE Select); coding-DNA position 1247, T replaced by A.
Protein change: p.Val416Asp; replaces valine 416 with aspartic acid.
Molecular consequence: missense variant. On other transcripts: non-coding transcript variant (5).
Genome position (GRCh38, 1-based): chr9:132,910,587, A>T on the plus strand (T>A on the coding strand, the complement: TSC1 is on the minus strand). VCF-style: chr9-132910587-A-T. GRCh37 (hg19) VCF-style: chr9-135785974-A-T.
Other names: c.1247T>A, p.Val416Asp (NM_001406595.1, NM_001406596.1, NM_001406601.1 and 7 more transcripts); c.1244T>A, p.Val415Asp (NM_001406597.1, NM_001406598.1, NM_001406599.1 and 6 more transcripts); c.1094T>A, p.Val365Asp (NM_001406610.1, NM_001162427.2); c.881T>A, p.Val294Asp (NM_001406621.1, NM_001406622.1, NM_001406623.1 and 2 more transcripts); c.884T>A, p.Val295Asp (NM_001406624.1, NM_001362177.2, NM_001406614.1 and 5 more transcripts); c.296T>A, p.Val99Asp (NM_001406626.1); c.293T>A, p.Val98Asp (NM_001406627.1, NM_001406628.1); c.194T>A, p.Val65Asp (NM_001406629.1, NM_001406630.1); and 1 more; short protein forms V364D, V365D, V98D, V415D, V99D, V294D, V295D, V416D.
Identifiers: ClinVar variation 2562854 (VCV002562854.5), dbSNP rs2131938918, ClinGen allele CA375366777.
Genomic context (GRCh38, chr9:132,910,587, plus strand): 5'-TCACTGTGCCTGGGCAGAGGGATAGCAGACGAGCTGGATCGCACCTTCCTGGGGGGTGTG[A>T]CTGTGGCCTGGGGGAGTGAAATGTGCACGTAGTCATCCGAATGACAGAGTGGGGCTGGAG-3'
Protein context (NP_000359.1, residues 406-426): YVHISLPQAT[Val416Asp]TPPRKEERMD

ClinVar aggregate classification (germline): Uncertain significance. Review status: criteria provided, multiple submitters, no conflicts (2 of 4 stars). 2 submissions from 2 submitters: Uncertain significance (2). Last evaluated 2025-03-27.

Conditions:
Hereditary cancer-predisposing syndrome. Also called: Neoplastic Syndromes, Hereditary; Hereditary Cancer Syndrome; Tumor predisposition; Hereditary neoplastic syndrome. Identifiers: Orphanet 140162, MedGen C0027672, MeSH D009386, MONDO:0015356.
Tuberous sclerosis 1 (TSC1). Identifiers: Orphanet 805, MedGen C1854465, MONDO:0008612, OMIM 191100.

Submissions (2):

Labcorp Genetics (formerly Invitae), Labcorp
Classification: Uncertain significance for Tuberous sclerosis 1. Last evaluated: 2025-03-27. Review status: criteria provided, single submitter. Criteria: Invitae Variant Classification Sherloc (09022015). Collection method: clinical testing. Allele origin: germline.
Comment: This sequence change replaces valine, which is neutral and non-polar, with aspartic acid, which is acidic and polar, at codon 416 of the TSC1 protein (p.Val416Asp). This variant is not present in population databases (gnomAD no frequency). This variant has not been reported in the literature in individuals affected with TSC1-related conditions. ClinVar contains an entry for this variant (Variation ID: 2562854). Invitae Evidence Modeling of protein sequence and biophysical properties (such as structural, functional, and spatial information, amino acid conservation, physicochemical variation, residue mobility, and thermodynamic stability) indicates that this missense variant is not expected to disrupt TSC1 protein function with a negative predictive value of 95%. In summary, the available evidence is currently insufficient to determine the role of this variant in disease. Therefore, it has been classified as a Variant of Uncertain Significance.

Ambry Genetics
Classification: Uncertain significance for Hereditary cancer-predisposing syndrome. Last evaluated: 2023-04-18. Review status: criteria provided, single submitter. Criteria: Ambry Variant Classification Scheme 2023. Collection method: clinical testing. Allele origin: germline.
Comment: The p.V416D variant (also known as c.1247T>A), located in coding exon 10 of the TSC1 gene, results from a T to A substitution at nucleotide position 1247. The valine at codon 416 is replaced by aspartic acid, an amino acid with highly dissimilar properties. This amino acid position is conserved. In addition, this alteration is predicted to be tolerated by in silico analysis. Since supporting evidence is limited at this time, the clinical significance of this alteration remains unclear.